The following is an entry in ClinVar:

ClinVar aggregate classification (germline): Uncertain significance (1 of 4 stars; one submission).

Conditions:
CHARGE syndrome (CHARGE). Also called: Hittner Hirsch Kreh syndrome; CHARGE ASSOCIATION--COLOBOMA, HEART ANOMALY, CHOANAL ATRESIA, RETARDATION, GENITAL AND EAR ANOMALIES; Coloboma, heart anomaly, choanal atresia, retardation, genital and ear anomalies; CHARGE association; Hall-Hittner syndrome. Identifiers: Orphanet 138, MedGen C0265354, MONDO:0008965.

Submission:

3billion
Classification: Uncertain significance for CHD7-related CHARGE syndrome. Last evaluated: 2023-07-17. Review status: criteria provided, single submitter. Criteria: ACMG Guidelines, 2015. Collection method: clinical testing. Allele origin: germline. Affected: yes.
Comment: The variant is not observed in the gnomAD v2.1.1 dataset. Predicted Consequence/Location: Missense variant In silico tool predictions suggest damaging effect of the variant on gene or gene product (REVEL: 0.83; 3Cnet: 0.75). A different missense change at the same codon (p.Arg1109Trp) has been reported to be associated with CHD7 related disorder (PMID: 32914532). However, the evidence of pathogenicity is insufficient at this time. Therefore, this variant is classified as VUS according to the recommendation of ACMG/AMP guideline.

Literature cited by the submitters: PubMed 32914532.

NM_017780.4(CHD7):c.3327G>C (p.Arg1109Ser)

Gene: CHD7 (chromodomain helicase DNA binding protein 7; plus strand). Cytogenetic location: 8q12.2.
Variant type: single nucleotide variant.
Coding change: c.3327G>C on transcript NM_017780.4 (MANE Select); coding-DNA position 3327, G replaced by C.
Protein change: p.Arg1109Ser; replaces arginine 1109 with serine.
Molecular consequence: missense variant. On other transcripts: intron variant (1).
Genome position (GRCh38, 1-based): chr8:60,823,965, G>C. VCF-style: chr8-60823965-G-C. GRCh37 (hg19) VCF-style: chr8-61736524-G-C.
Other names: c.1717-38264G>C (NM_001316690.1); short protein forms R1109S.
Identifiers: ClinVar variation 3776075 (VCV003776075.1).